The following is an entry in ClinVar:

NM_003482.4(KMT2D):c.840-1G>C

Gene: KMT2D (lysine methyltransferase 2D; minus strand). Cytogenetic location: 12q13.12.
Variant type: single nucleotide variant.
Coding change: c.840-1G>C on transcript NM_003482.4 (MANE Select); the canonical splice acceptor site of the intron before coding-DNA position 840, G replaced by C.
Molecular consequence: splice acceptor variant.
Genome position (GRCh38, 1-based): chr12:49,053,322, C>G on the plus strand (G>C on the coding strand, the complement: KMT2D is on the minus strand). VCF-style: chr12-49053322-C-G. GRCh37 (hg19) VCF-style: chr12-49447105-C-G.
Identifiers: ClinVar variation 4044493 (VCV004044493.1).

ClinVar aggregate classification (germline): Pathogenic (1 of 4 stars; one submission).

Conditions:
Inborn genetic diseases. Identifiers: MedGen C0950123, MeSH D030342.

Submission:

Ambry Genetics
Classification: Pathogenic for Inborn genetic diseases. Last evaluated: 2025-04-11. Review status: criteria provided, single submitter. Criteria: Ambry Variant Classification Scheme 2023. Collection method: clinical testing. Allele origin: germline.
Comment: The c.840-1G>C intronic variant results from a G to C substitution one nucleotide before coding exon 7 of the KMT2D gene. Alterations that disrupt the canonical splice site are expected to cause aberrant splicing, resulting in an abnormal protein or a transcript that is subject to nonsense-mediated mRNA decay. Another variant impacting the same acceptor site (c.840-1G>A) has been identified in an individual with features consistent with KMT2D-related Kabuki syndrome (Hannibal, 2011). This nucleotide position is highly conserved in available vertebrate species. In silico splice site analysis predicts that this alteration will weaken the native splice acceptor site. Based on the available evidence, this alteration is classified as pathogenic.

Literature cited by the submitters: PubMed 21671394.